The following is an entry in ClinVar:

NM_001363118.2(SLC52A2):c.1004C>T (p.Ser335Phe)

Gene: SLC52A2 (solute carrier family 52 member 2; plus strand). Cytogenetic location: 8q24.3.
Variant type: single nucleotide variant.
Coding change: c.1004C>T on transcript NM_001363118.2 (MANE Select); coding-DNA position 1004, C replaced by T.
Protein change: p.Ser335Phe; replaces serine 335 with phenylalanine.
Molecular consequence: missense variant. On other transcripts: non-coding transcript variant (1).
Genome position (GRCh38, 1-based): chr8:144,360,592, C>T. VCF-style: chr8-144360592-C-T. GRCh37 (hg19) VCF-style: chr8-145584252-C-T.
Other names: c.1004C>T, p.Ser335Phe (NM_001253815.2, NM_001253816.2, NM_001363120.2 and 2 more transcripts); c.512C>T, p.Ser171Phe (NM_001363122.2); c.740C>T, p.Ser247Phe (NM_001410949.1); short protein forms S171F, S335F, S247F.
Identifiers: ClinVar variation 2149627 (VCV002149627.1), dbSNP rs1818809061, ClinGen allele CA372628767.
Genomic context (GRCh38, chr8:144,360,592, plus strand): 5'-AGGGCTAGGAGCCAGGTCCTGGCGCAGTCAGCCCTGACATTCTGCTCGCTCACTGCAGGT[C>T]CTTGGCAGGGCTGGGCGGCCTCTCTCTGCTGGGCGTGTTCTGTGGGGGCTACCTGATGGC-3'
Protein context (NP_001350047.1, residues 325-345): CFLAMGVLCR[Ser335Phe]LAGLGGLSLL

ClinVar aggregate classification (germline): Uncertain significance (1 of 4 stars; one submission).

Conditions:
Brown-Vialetto-van Laere syndrome 2. Also called: SPINOCEREBELLAR ATAXIA WITH BLINDNESS AND DEAFNESS 2; Riboflavin transporter deficiency type 2. Identifiers: Orphanet 572543, Orphanet 97229, MedGen C3553538, MONDO:0013867, OMIM 614707.

Allele frequency attached by ClinVar (database versions not stated): gnomAD exomes below 0.00001; TOPMed below 0.00001; gnomAD 0.00001.

Submission:

Labcorp Genetics (formerly Invitae), Labcorp
Classification: Uncertain significance for Brown-Vialetto-van Laere syndrome 2. Last evaluated: 2022-07-17. Review status: criteria provided, single submitter. Criteria: Invitae Variant Classification Sherloc (09022015). Collection method: clinical testing. Allele origin: germline.
Comment: This sequence change replaces serine, which is neutral and polar, with phenylalanine, which is neutral and non-polar, at codon 335 of the SLC52A2 protein (p.Ser335Phe). This variant is not present in population databases (gnomAD no frequency). This variant has not been reported in the literature in individuals affected with SLC52A2-related conditions. Algorithms developed to predict the effect of missense changes on protein structure and function are either unavailable or do not agree on the potential impact of this missense change (SIFT: "Deleterious"; PolyPhen-2: "Probably Damaging"; Align-GVGD: "Class C15"). In summary, the available evidence is currently insufficient to determine the role of this variant in disease. Therefore, it has been classified as a Variant of Uncertain Significance.